The following is an entry in ClinVar:

ClinVar aggregate classification (germline): Uncertain significance (1 of 4 stars; one submission).

Submission:

Ambry Genetics
Classification: Uncertain significance. Last evaluated: 2024-03-03. Review status: criteria provided, single submitter. Criteria: Ambry Variant Classification Scheme 2023. Collection method: clinical testing. Allele origin: germline.
Comment: The p.R1685T variant (also known as c.5054G>C), located in coding exon 4 of the ALPK2 gene, results from a G to C substitution at nucleotide position 5054. The arginine at codon 1685 is replaced by threonine, an amino acid with similar properties. This amino acid position is conserved. In addition, this alteration is predicted to be tolerated by in silico analysis. Since supporting evidence is limited at this time, the clinical significance of this alteration remains unclear.

NM_052947.4(ALPK2):c.5054G>C (p.Arg1685Thr)

Genes: ALPK2 (alpha kinase 2; minus strand), LOC130062577 (ATAC-STARR-seq lymphoblastoid active region 13389; plus strand). Cytogenetic location: 18q21.31.
Variant type: single nucleotide variant.
Coding change: c.5054G>C on transcript NM_052947.4 (MANE Select); coding-DNA position 5054, G replaced by C.
Protein change: p.Arg1685Thr; replaces arginine 1685 with threonine.
Molecular consequence: missense variant.
Genome position (GRCh38, 1-based): chr18:58,535,133, C>G on the plus strand (G>C on the coding strand, the complement: ALPK2 is on the minus strand). VCF-style: chr18-58535133-C-G. GRCh37 (hg19) VCF-style: chr18-56202365-C-G.
Other names: short protein forms R1685T.
Identifiers: ClinVar variation 1745058 (VCV001745058.2), dbSNP rs2518873575, ClinGen allele CA402558553.
Genomic context (GRCh38, chr18:58,535,133, plus strand): 5'-ACTGCTGTGAGGGTCCCTGGCGATTTGCCTGCTCGGGCTTCCAGGGACTTCTCTCTCTCC[C>G]TGGACTTTTTCGCACAGCCCAGGGTGCCCTTTTGACATGGATCCTGCAGTAATTTAGGGG-3'
Protein context (NP_443179.3, residues 1675-1695): KGTLGCAKKS[Arg1685Thr]EREKSLEARA